The following is an entry in ClinVar:

ClinVar aggregate classification (germline): Uncertain significance (1 of 4 stars; one submission).

Conditions:
Malignant hyperthermia, susceptibility to, 5 (MHS5). Also called: CACNA1S-Related Malignant Hyperthermia Susceptibility. Identifiers: Orphanet 423, MedGen C1866077, MONDO:0011163, OMIM 601887.

gnomAD v4.1: 1 of 1,614,036 alleles (0.000062%); highest among the groups gnomAD compares: Admixed American, 0.0017%; no homozygotes.

Submission:

Color Diagnostics, LLC DBA Color Health
Classification: Uncertain significance for Malignant hyperthermia, susceptibility to, 5. Last evaluated: 2025-06-23. Review status: criteria provided, single submitter. Criteria: ACMG Guidelines, 2015. Collection method: clinical testing. Allele origin: germline.
Comment: This missense variant replaces alanine with aspartic acid at codon 943 of the CACNA1S protein. Computational prediction suggests that this variant may have deleterious impact on protein structure and function. To our knowledge, functional studies have not been reported for this variant. This variant has not been reported in individuals affected with CACNA1S-related disorders in the literature. This variant has been identified in 1/251290 chromosomes in the general population by the Genome Aggregation Database (gnomAD). The available evidence is insufficient to determine the role of this variant in disease conclusively. Therefore, this variant is classified as a Variant of Uncertain Significance.

NM_000069.3(CACNA1S):c.2828C>A (p.Ala943Asp)

Gene: CACNA1S (calcium voltage-gated channel subunit alpha1 S; minus strand). Cytogenetic location: 1q32.1.
Variant type: single nucleotide variant.
Coding change: c.2828C>A on transcript NM_000069.3 (MANE Select); coding-DNA position 2828, C replaced by A.
Protein change: p.Ala943Asp; replaces alanine 943 with aspartic acid.
Molecular consequence: missense variant.
Genome position (GRCh38, 1-based): chr1:201,065,863, G>T on the plus strand (C>A on the coding strand, the complement: CACNA1S is on the minus strand). VCF-style: chr1-201065863-G-T. GRCh37 (hg19) VCF-style: chr1-201034991-G-T.
Other names: short protein forms A943D.
Identifiers: ClinVar variation 4757151 (VCV004757151.1).